The following is an entry in ClinVar:

ClinVar aggregate classification (germline): Uncertain significance. Review status: criteria provided, multiple submitters, no conflicts (2 of 4 stars). 2 submissions from 2 submitters: Uncertain significance (2). Last evaluated 2023-04-07.

Conditions:
Fanconi anemia (FA). Also called: Fanconi's anemia. Identifiers: Orphanet 84, MedGen C0015625, MeSH D005199, MONDO:0019391.
Inborn genetic diseases. Identifiers: MedGen C0950123, MeSH D030342.

Submissions (2):

Ambry Genetics
Classification: Uncertain significance for Inborn genetic diseases. Last evaluated: 2023-04-07. Review status: criteria provided, single submitter. Criteria: Ambry Variant Classification Scheme 2023. Collection method: clinical testing. Allele origin: germline.

Labcorp Genetics (formerly Invitae), Labcorp
Classification: Uncertain significance for Fanconi anemia. Last evaluated: 2022-08-19. Review status: criteria provided, single submitter. Criteria: Invitae Variant Classification Sherloc (09022015). Collection method: clinical testing. Allele origin: germline.
Comment: In summary, the available evidence is currently insufficient to determine the role of this variant in disease. Therefore, it has been classified as a Variant of Uncertain Significance. Algorithms developed to predict the effect of missense changes on protein structure and function are either unavailable or do not agree on the potential impact of this missense change (SIFT: "Tolerated"; PolyPhen-2: "Probably Damaging"; Align-GVGD: "Class C0"). ClinVar contains an entry for this variant (Variation ID: 1436950). This variant has not been reported in the literature in individuals affected with SLX4-related conditions. This variant is not present in population databases (gnomAD no frequency). This sequence change replaces glutamic acid, which is acidic and polar, with glutamine, which is neutral and polar, at codon 907 of the SLX4 protein (p.Glu907Gln).

NM_032444.4(SLX4):c.2719G>C (p.Glu907Gln)

Gene: SLX4 (SLX4 structure-specific endonuclease subunit; minus strand). Cytogenetic location: 16p13.3.
Variant type: single nucleotide variant.
Coding change: c.2719G>C on transcript NM_032444.4 (MANE Select); coding-DNA position 2719, G replaced by C.
Protein change: p.Glu907Gln; replaces glutamic acid 907 with glutamine.
Molecular consequence: missense variant.
Genome position (GRCh38, 1-based): chr16:3,590,919, C>G on the plus strand (G>C on the coding strand, the complement: SLX4 is on the minus strand). VCF-style: chr16-3590919-C-G. GRCh37 (hg19) VCF-style: chr16-3640920-C-G.
Other names: c.2719G>C (NM_032444.2); short protein forms E907Q.
Identifiers: ClinVar variation 1436950 (VCV001436950.9), dbSNP rs1408881754, ClinGen allele CA394523094.